The following is an entry in ClinVar:

NM_021096.4(CACNA1I):c.1340G>A (p.Arg447His)

Gene: CACNA1I (calcium voltage-gated channel subunit alpha1 I; plus strand). Cytogenetic location: 22q13.1.
Variant type: single nucleotide variant.
Coding change: c.1340G>A on transcript NM_021096.4 (MANE Select); coding-DNA position 1340, G replaced by A.
Protein change: p.Arg447His; replaces arginine 447 with histidine.
Molecular consequence: missense variant.
Genome position (GRCh38, 1-based): chr22:39,646,759, G>A. VCF-style: chr22-39646759-G-A. GRCh37 (hg19) VCF-style: chr22-40042764-G-A.
Other names: c.1340G>A, p.Arg447His (NM_001003406.2); short protein forms R447H.
Identifiers: ClinVar variation 4760877 (VCV004760877.1).

ClinVar aggregate classification (germline): Uncertain significance (1 of 4 stars; one submission).

gnomAD v4.1: 3 of 1,591,120 alleles (0.00019%); highest among the groups gnomAD compares: Non-Finnish European, 0.00026%; no homozygotes.

Submission:

Labcorp Genetics (formerly Invitae), Labcorp
Classification: Uncertain significance. Last evaluated: 2025-09-15. Review status: criteria provided, single submitter. Criteria: Invitae Variant Classification Sherloc (09022015). Collection method: clinical testing. Allele origin: germline.
Comment: This sequence change replaces arginine, which is basic and polar, with histidine, which is basic and polar, at codon 447 of the CACNA1I protein (p.Arg447His). The frequency data for this variant in the population databases is considered unreliable, as metrics indicate poor data quality at this position in the gnomAD database. This variant has not been reported in the literature in individuals affected with CACNA1I-related conditions. An algorithm developed to predict the effect of missense changes on protein structure and function (PolyPhen-2) suggests that this variant is likely to be tolerated. In summary, the available evidence is currently insufficient to determine the role of this variant in disease. Therefore, it has been classified as a Variant of Uncertain Significance.